The following is an entry in ClinVar:

ClinVar aggregate classification (germline): Uncertain significance (1 of 4 stars; one submission).

Conditions:
Charcot-Marie-Tooth disease type 2. Also called: Charcot-Marie-Tooth type 2. Identifiers: Orphanet 64746, MedGen C0270914, MONDO:0018993.

gnomAD v4.1: 3 of 1,586,246 alleles (0.00019%); highest among the groups gnomAD compares: African/African-American, 0.0027%; no homozygotes.

Submission:

Labcorp Genetics (formerly Invitae), Labcorp
Classification: Uncertain significance for Charcot-Marie-Tooth disease type 2. Last evaluated: 2024-04-13. Review status: criteria provided, single submitter. Criteria: Invitae Variant Classification Sherloc (09022015). Collection method: clinical testing. Allele origin: germline.
Comment: This sequence change replaces alanine, which is neutral and non-polar, with threonine, which is neutral and polar, at codon 665 of the AARS protein (p.Ala665Thr). This variant is not present in population databases (gnomAD no frequency). This variant has not been reported in the literature in individuals affected with AARS-related conditions. An algorithm developed to predict the effect of missense changes on protein structure and function (PolyPhen-2) suggests that this variant is likely to be tolerated. In summary, the available evidence is currently insufficient to determine the role of this variant in disease. Therefore, it has been classified as a Variant of Uncertain Significance.

NM_001605.3(AARS1):c.1993G>A (p.Ala665Thr)

Gene: AARS1 (alanyl-tRNA synthetase 1; minus strand). Cytogenetic location: 16q22.1.
Variant type: single nucleotide variant.
Coding change: c.1993G>A on transcript NM_001605.3 (MANE Select); coding-DNA position 1993, G replaced by A.
Protein change: p.Ala665Thr; replaces alanine 665 with threonine.
Molecular consequence: missense variant.
Genome position (GRCh38, 1-based): chr16:70,258,217, C>T on the plus strand (G>A on the coding strand, the complement: AARS1 is on the minus strand). VCF-style: chr16-70258217-C-T. GRCh37 (hg19) VCF-style: chr16-70292120-C-T.
Other names: short protein forms A665T.
Identifiers: ClinVar variation 3694817 (VCV003694817.2).